The following is an entry in ClinVar:

NM_000051.4(ATM):c.7966C>T (p.Leu2656Phe)

Genes: ATM (ATM serine/threonine kinase; plus strand), C11orf65 (chromosome 11 open reading frame 65; minus strand). Cytogenetic location: 11q22.3.
Variant type: single nucleotide variant.
Coding change: c.7966C>T on transcript NM_000051.4 (MANE Select); coding-DNA position 7966, C replaced by T.
Protein change: p.Leu2656Phe; replaces leucine 2656 with phenylalanine.
Molecular consequence: missense variant. On other transcripts: intron variant (2).
Genome position (GRCh38, 1-based): chr11:108,333,924, C>T. VCF-style: chr11-108333924-C-T. GRCh37 (hg19) VCF-style: chr11-108204651-C-T.
Other names: c.7966C>T, p.Leu2656Phe (NM_001351834.2); c.641-24853G>A (NM_001330368.2); c.*38+1296G>A (NM_001351110.2); short protein forms L2656F.
Identifiers: ClinVar variation 955628 (VCV000955628.10), dbSNP rs1591184384, ClinGen allele CA382561727.

ClinVar aggregate classification (germline): Uncertain significance. Review status: criteria provided, multiple submitters, no conflicts (2 of 4 stars). 3 submissions from 3 submitters: Uncertain significance (3). Last evaluated 2025-01-31.

Conditions:
Hereditary cancer-predisposing syndrome. Also called: Tumor predisposition; Neoplastic Syndromes, Hereditary; Hereditary neoplastic syndrome; Hereditary Cancer Syndrome. Identifiers: Orphanet 140162, MedGen C0027672, MeSH D009386, MONDO:0015356.
Ataxia-telangiectasia syndrome (AT). Also called: Ataxia-telangiectasia, complementation group D; AT, COMPLEMENTATION GROUP C; ATAXIA-TELANGIECTASIA, COMPLEMENTATION GROUP A; ATAXIA-TELANGIECTASIA, FRESNO VARIANT; Ataxia-telangiectasia; Ataxia telangiectasia (A-T). Identifiers: Orphanet 100, MedGen C0004135, MONDO:0008840, OMIM 208900.
Familial cancer of breast. Also called: Hereditary breast cancer; hereditary breast carcinoma; BREAST CANCER, FAMILIAL. Identifiers: Orphanet 227535, MedGen C0346153, MONDO:0016419, OMIM 114480. Disease mechanism: loss of function.

Allele frequency attached by ClinVar (database versions not stated): TOPMed below 0.00001.

Submissions (3):

Ambry Genetics
Classification: Uncertain significance for Hereditary cancer-predisposing syndrome. Last evaluated: 2025-01-31. Review status: criteria provided, single submitter. Criteria: Ambry Variant Classification Scheme 2023. Collection method: clinical testing. Allele origin: germline.
Comment: The p.L2656F variant (also known as c.7966C>T), located in coding exon 53 of the ATM gene, results from a C to T substitution at nucleotide position 7966. The leucine at codon 2656 is replaced by phenylalanine, an amino acid with highly similar properties. This amino acid position is conserved. In addition, the in silico prediction for this alteration is inconclusive. Since supporting evidence is limited at this time, the clinical significance of this alteration remains unclear.

Baylor Genetics
Classification: Uncertain significance for Familial cancer of breast. Last evaluated: 2023-07-04. Review status: criteria provided, single submitter. Criteria: ACMG Guidelines, 2015. Collection method: clinical testing. Allele origin: unknown.

Labcorp Genetics (formerly Invitae), Labcorp
Classification: Uncertain significance for Ataxia-telangiectasia syndrome. Last evaluated: 2021-09-29. Review status: criteria provided, single submitter. Criteria: Invitae Variant Classification Sherloc (09022015). Collection method: clinical testing. Allele origin: germline.
Comment: This sequence change replaces leucine with phenylalanine at codon 2656 of the ATM protein (p.Leu2656Phe). The leucine residue is moderately conserved and there is a small physicochemical difference between leucine and phenylalanine. This variant is not present in population databases (ExAC no frequency). This variant has not been reported in the literature in individuals affected with ATM-related conditions. Algorithms developed to predict the effect of missense changes on protein structure and function are either unavailable or do not agree on the potential impact of this missense change (SIFT: "Deleterious"; PolyPhen-2: "Possibly Damaging"; Align-GVGD: "Class C0"). In summary, the available evidence is currently insufficient to determine the role of this variant in disease. Therefore, it has been classified as a Variant of Uncertain Significance.